The following is an entry in ClinVar:

NM_022552.5(DNMT3A):c.2479-6A>G

Gene: DNMT3A (DNA methyltransferase 3 alpha; minus strand). Cytogenetic location: 2p23.3.
Variant type: single nucleotide variant.
Coding change: c.2479-6A>G on transcript NM_022552.5 (MANE Select); 6 bases into the intron before coding-DNA position 2479, A replaced by G.
Molecular consequence: intron variant.
Genome position (GRCh38, 1-based): chr2:25,235,831, T>C on the plus strand (A>G on the coding strand, the complement: DNMT3A is on the minus strand). VCF-style: chr2-25235831-T-C. GRCh37 (hg19) VCF-style: chr2-25458700-T-C.
Other names: c.2479-6A>G (NM_175629.2); c.1912-6A>G (NM_153759.3); c.2023-6A>G (NM_001320893.1); c.1810-6A>G (NM_001375819.1).
Identifiers: ClinVar variation 3055969 (VCV003055969.3), dbSNP rs768946915, ClinGen allele CA1555551.
Genomic context (GRCh38, chr2:25,235,831, plus strand): 5'-CTTTGCCCTGCTTTATGGAGTTTGACCTCGTAGTAATGGTCCTCACTTTGCTGAACTAGA[T>C]GAAGAGGAGAAAAGAGGAATAAGCACGAATTCATTCACCAGCCAACACTGGTCATGCGTC-3'

ClinVar aggregate classification (germline): Likely benign. Review status: criteria provided, single submitter (1 of 4 stars). 2 submissions from 2 submitters: Likely benign (1). 1 of the submissions does not count toward it. Last evaluated 2024-11-21.

Conditions:
DNMT3A-related disorder. Also called: DNMT3A-related condition; DNMT3A-related disorders.

Allele frequency attached by ClinVar (database versions not stated): ExAC 0.00003; gnomAD 0.00005; gnomAD exomes 0.00008.
gnomAD v4.1: 54 of 1,611,082 alleles (0.0034%); highest among the groups gnomAD compares: Non-Finnish European, 0.000085%; no homozygotes.

Submissions (2):

Blueprint Genetics
Classification: Likely benign. Last evaluated: 2024-11-21. Review status: criteria provided, single submitter. Criteria: ACMG Guidelines, 2015. Collection method: clinical testing. Allele origin: germline.

PreventionGenetics, part of Exact Sciences
Classification: Likely benign for DNMT3A-related condition. Last evaluated: 2021-10-08. Review status: no assertion criteria provided. Collection method: clinical testing. Allele origin: germline. Not counted in ClinVar's aggregate classification.
Comment: This variant is classified as likely benign based on ACMG/AMP sequence variant interpretation guidelines (Richards et al. 2015 PMID: 25741868, with internal and published modifications).